The following is an entry in ClinVar:

NM_020232.5(PSMG2):c.535A>G (p.Ile179Val)

Gene: PSMG2 (proteasome assembly chaperone 2; plus strand). Cytogenetic location: 18p11.21.
Variant type: single nucleotide variant.
Coding change: c.535A>G on transcript NM_020232.5 (MANE Select); coding-DNA position 535, A replaced by G.
Protein change: p.Ile179Val; replaces isoleucine 179 with valine.
Molecular consequence: missense variant.
Genome position (GRCh38, 1-based): chr18:12,720,637, A>G. VCF-style: chr18-12720637-A-G. GRCh37 (hg19) VCF-style: chr18-12720636-A-G.
Other names: c.442A>G, p.Ile148Val (NM_147163.2); short protein forms I148V, I179V.
Identifiers: ClinVar variation 2970428 (VCV002970428.3), dbSNP rs2510996582, ClinGen allele CA401968774.

ClinVar aggregate classification (germline): Uncertain significance (1 of 4 stars; one submission).

Allele frequency attached by ClinVar (database versions not stated): gnomAD exomes below 0.00001.
gnomAD v4.1: 2 of 1,613,974 alleles (0.00012%); highest among the groups gnomAD compares: Non-Finnish European, 0.00017%; no homozygotes.

Submission:

Labcorp Genetics (formerly Invitae), Labcorp
Classification: Uncertain significance. Last evaluated: 2023-12-16. Review status: criteria provided, single submitter. Criteria: Invitae Variant Classification Sherloc (09022015). Collection method: clinical testing. Allele origin: germline.
Comment: This sequence change replaces isoleucine, which is neutral and non-polar, with valine, which is neutral and non-polar, at codon 179 of the PSMG2 protein (p.Ile179Val). This variant is not present in population databases (gnomAD no frequency). This variant has not been reported in the literature in individuals affected with PSMG2-related conditions. Algorithms developed to predict the effect of missense changes on protein structure and function output the following: SIFT: "Not Available"; PolyPhen-2: "Benign"; Align-GVGD: "Not Available". The valine amino acid residue is found in multiple mammalian species, which suggests that this missense change does not adversely affect protein function. In summary, the available evidence is currently insufficient to determine the role of this variant in disease. Therefore, it has been classified as a Variant of Uncertain Significance.